The following is an entry in ClinVar:

ClinVar aggregate classification (germline): Pathogenic/Likely pathogenic. Review status: criteria provided, multiple submitters, no conflicts (2 of 4 stars). 2 submissions from 2 submitters: Pathogenic (1); Likely pathogenic (1). Last evaluated 2025-02-03.

Conditions:
Autosomal recessive limb-girdle muscular dystrophy type 2A (LGMDR1). Also called: LEYDEN-MOEBIUS MUSCULAR DYSTROPHY; MUSCULAR DYSTROPHY, PELVOFEMORAL; Limb-girdle muscular dystrophy, type 2A; Calpainopathy; Muscular dystrophy, limb-girdle, type 2A, Amish. Identifiers: Orphanet 267, MedGen C1869123, MONDO:0009675, OMIM 253600. Disease mechanism: loss of function.

Submissions (2):

Labcorp Genetics (formerly Invitae), Labcorp
Classification: Pathogenic for Autosomal recessive limb-girdle muscular dystrophy type 2A. Last evaluated: 2025-02-03. Review status: criteria provided, single submitter. Criteria: Invitae Variant Classification Sherloc (09022015). Collection method: clinical testing. Allele origin: germline.
Comment: This sequence change creates a premature translational stop signal (p.Lys683*) in the CAPN3 gene. It is expected to result in an absent or disrupted protein product. Loss-of-function variants in CAPN3 are known to be pathogenic (PMID: 10330340, 15689361). This variant is not present in population databases (gnomAD no frequency). This variant has not been reported in the literature in individuals affected with CAPN3-related conditions. For these reasons, this variant has been classified as Pathogenic.

Revvity Omics, Revvity
Classification: Likely pathogenic. Last evaluated: 2024-01-23. Review status: criteria provided, single submitter. Criteria: ACMG Guidelines, 2015. Collection method: clinical testing. Allele origin: germline.

Literature cited by the submitters: PubMed 10330340 (cited by Labcorp Genetics (formerly Invitae), Labcorp); PubMed 15689361 (cited by Labcorp Genetics (formerly Invitae), Labcorp).

NM_000070.3(CAPN3):c.2047A>T (p.Lys683Ter)

Gene: CAPN3 (calpain 3; plus strand). Cytogenetic location: 15q15.1.
Variant type: single nucleotide variant.
Coding change: c.2047A>T on transcript NM_000070.3 (MANE Select); coding-DNA position 2047, A replaced by T.
Protein change: p.Lys683Ter; replaces lysine 683 with a stop codon.
Molecular consequence: nonsense.
Genome position (GRCh38, 1-based): chr15:42,409,841, A>T. VCF-style: chr15-42409841-A-T. GRCh37 (hg19) VCF-style: chr15-42702039-A-T.
Other names: c.2029A>T, p.Lys677Ter (NM_024344.2); c.1771A>T, p.Lys591Ter (NM_173087.2); c.511A>T, p.Lys171Ter (NM_173088.2); c.52A>T, p.Lys18Ter (NM_173089.2, NM_173090.2); short protein forms K171*, K18*, K591*, K677*, K683*.
Identifiers: ClinVar variation 4081226 (VCV004081226.2).